The following is an entry in ClinVar:

NM_001164508.2(NEB):c.5555T>G (p.Met1852Arg)

Gene: NEB (nebulin; minus strand). Cytogenetic location: 2q23.3.
Variant type: single nucleotide variant.
Coding change: c.5555T>G on transcript NM_001164508.2 (MANE Select); coding-DNA position 5555, T replaced by G.
Protein change: p.Met1852Arg; replaces methionine 1852 with arginine.
Molecular consequence: missense variant.
Genome position (GRCh38, 1-based): chr2:151,663,756, A>C on the plus strand (T>G on the coding strand, the complement: NEB is on the minus strand). VCF-style: chr2-151663756-A-C. GRCh37 (hg19) VCF-style: chr2-152520270-A-C.
Other names: c.5555T>G, p.Met1852Arg (NM_001164507.2, NM_001271208.2, NM_004543.5); short protein forms M1852R.
Identifiers: ClinVar variation 197524 (VCV000197524.74), dbSNP rs144180493, ClinGen allele CA245731.

ClinVar aggregate classification (germline): Conflicting classifications of pathogenicity. Review status: criteria provided, conflicting classifications (1 of 4 stars). 14 submissions from 14 submitters: Uncertain significance (1); Benign (3); Likely benign (6). 4 of the submissions do not count toward it. Last evaluated 2026-08-01.

Conditions:
Nemaline myopathy 2 (NEM2). Also called: Nemaline myopathy 2, autosomal recessive. Identifiers: MedGen C1850569, MONDO:0009725, OMIM 256030.

Allele frequency attached by ClinVar (database versions not stated): 1000 Genomes Project 0.00200; 1000 Genomes Project 30x 0.00281; ExAC 0.00330; gnomAD exomes 0.00332 and 0.00531; gnomAD 0.00334 and 0.00336; TOPMed 0.00344; ESP Exome Variant Server 0.00350.

Submissions (14):

CeGaT Center for Human Genetics Tuebingen
Classification: Likely benign. Last evaluated: 2026-08-01. Review status: criteria provided, single submitter. Criteria: CeGaT Center For Human Genetics Tuebingen Variant Classification Criteria Version 2. Collection method: clinical testing. Allele origin: germline. Affected: yes. Observed: 30 variant alleles.
Comment: NEB: BS2

Labcorp Genetics (formerly Invitae), Labcorp
Classification: Benign for Nemaline myopathy 2. Last evaluated: 2026-02-04. Review status: criteria provided, single submitter. Criteria: Invitae Variant Classification Sherloc (09022015). Collection method: clinical testing. Allele origin: germline.

Dasa
Classification: Benign. Last evaluated: 2025-11-20. Review status: criteria provided, single submitter. Criteria: DASA Assertion Criteria. Collection method: clinical testing. Allele origin: germline.
Comment: NM_001164508.2(NEB):c.5555T>G (p.Met1852Arg) is a missense variant that results in the substitution of methionine with arginine. Population frequency is inconsistent with a disease-causing role for this variant, and observations in unaffected individuals support a benign interpretation. Therefore, based on the currently available evidence, this variant is classified as benign.

Blueprint Genetics
Classification: Likely benign. Last evaluated: 2024-11-26. Review status: criteria provided, single submitter. Criteria: ACMG Guidelines, 2015. Collection method: clinical testing. Allele origin: germline.

Mayo Clinic Laboratories, Mayo Clinic
Classification: Benign. Last evaluated: 2018-05-24. Review status: criteria provided, single submitter. Criteria: ACMG Guidelines, 2015. Collection method: clinical testing. Allele origin: germline. Observed: 9 variant alleles.

GeneDx
Classification: Likely benign. Last evaluated: 2018-02-16. Review status: criteria provided, single submitter. Criteria: GeneDx Variant Classification (06012015). Collection method: clinical testing. Allele origin: germline. Affected: yes.
Comment: This variant is considered likely benign or benign based on one or more of the following criteria: it is a conservative change, it occurs at a poorly conserved position in the protein, it is predicted to be benign by multiple in silico algorithms, and/or has population frequency not consistent with disease.

Illumina Laboratory Services, Illumina
Classification: Uncertain significance for Nemaline myopathy 2. Last evaluated: 2018-01-13. Review status: criteria provided, single submitter. Criteria: ICSL Variant Classification Criteria 13 December 2019. Collection method: clinical testing. Allele origin: germline.

Eurofins Ntd Llc (ga)
Classification: Likely benign. Last evaluated: 2016-10-07. Review status: criteria provided, single submitter. Criteria: EGL Classification Definitions 2015. Collection method: clinical testing. Allele origin: germline. Observed: 4 variant alleles, 4 heterozygotes.

Laboratory for Molecular Medicine, Mass General Brigham Personalized Medicine
Classification: Likely benign. Last evaluated: 2016-03-03. Review status: criteria provided, single submitter. Criteria: LMM Criteria. Collection method: clinical testing. Allele origin: germline. Observed: 1 variant allele.
Comment: p.Met1852Arg in exon 45 of NEB: This variant is not expected to have clinical si gnificance because it has been identified in 0.5% (332/66652) of European chromo somes, including two homozygotes by the Exome Aggregation Consortium (ExAC; dbSNP rs144180493).

PreventionGenetics, part of Exact Sciences
Classification: Likely benign. Review status: criteria provided, single submitter. Criteria: ACMG Guidelines, 2015. Collection method: clinical testing. Allele origin: germline.

Natera, Inc.
Classification: Likely benign for Nemaline myopathy type 2. Last evaluated: 2020-05-30. Review status: no assertion criteria provided. Collection method: clinical testing. Allele origin: germline. Not counted in ClinVar's aggregate classification.

Clinical Genetics DNA and cytogenetics Diagnostics Lab, Erasmus MC, Erasmus Medical Center
Classification: Likely benign. Review status: no assertion criteria provided. Collection method: clinical testing. Allele origin: germline. Affected: yes. Study: VKGL Data-share Consensus. Not counted in ClinVar's aggregate classification.

Genome Diagnostics Laboratory, University Medical Center Utrecht
Classification: Likely benign. Review status: no assertion criteria provided. Collection method: clinical testing. Allele origin: germline. Affected: yes. Study: VKGL Data-share Consensus. Not counted in ClinVar's aggregate classification.

Laboratory of Diagnostic Genome Analysis, Leiden University Medical Center (LUMC)
Classification: Likely benign. Review status: no assertion criteria provided. Collection method: clinical testing. Allele origin: germline. Affected: yes. Study: VKGL Data-share Consensus. Not counted in ClinVar's aggregate classification.